The following is an entry in ClinVar:

NM_170606.3(KMT2C):c.6101C>T (p.Ala2034Val)

Gene: KMT2C (lysine methyltransferase 2C; minus strand). Cytogenetic location: 7q36.1.
Variant type: single nucleotide variant.
Coding change: c.6101C>T on transcript NM_170606.3 (MANE Select); coding-DNA position 6101, C replaced by T.
Protein change: p.Ala2034Val; replaces alanine 2034 with valine.
Molecular consequence: missense variant.
Genome position (GRCh38, 1-based): chr7:152,181,759, G>A on the plus strand (C>T on the coding strand, the complement: KMT2C is on the minus strand). VCF-style: chr7-152181759-G-A. GRCh37 (hg19) VCF-style: chr7-151878844-G-A.
Other names: short protein forms A2034V.
Identifiers: ClinVar variation 3701801 (VCV003701801.2).
Genomic context (GRCh38, chr7:152,181,759, plus strand): 5'-TGAGAGGATGGAGGAGGTTGCATTGGAGTCTTAAAAGGTCCAGGACCACTATCAAGAGGT[G>A]CAGGTGTCAACAAGGGTCGTGCATATGAGTCAGGTATCCTTTGTCTTTGAAACACATCTG-3'
Protein context (NP_733751.2, residues 2024-2044): DSYARPLLTP[Ala2034Val]PLDSGPGPFK

ClinVar aggregate classification (germline): Uncertain significance (1 of 4 stars; one submission).

gnomAD v4.1: 3 of 1,614,162 alleles (0.00019%); highest among the groups gnomAD compares: Non-Finnish European, 0.00025%; no homozygotes.

Submission:

Labcorp Genetics (formerly Invitae), Labcorp
Classification: Uncertain significance. Last evaluated: 2024-08-07. Review status: criteria provided, single submitter. Criteria: Invitae Variant Classification Sherloc (09022015). Collection method: clinical testing. Allele origin: germline.
Comment: This sequence change replaces alanine, which is neutral and non-polar, with valine, which is neutral and non-polar, at codon 2034 of the KMT2C protein (p.Ala2034Val). This variant is not present in population databases (gnomAD no frequency). This variant has not been reported in the literature in individuals affected with KMT2C-related conditions. An algorithm developed to predict the effect of missense changes on protein structure and function (PolyPhen-2) suggests that this variant is likely to be tolerated. In summary, the available evidence is currently insufficient to determine the role of this variant in disease. Therefore, it has been classified as a Variant of Uncertain Significance.